The following is an entry in ClinVar:

NM_017763.6(RNF43):c.1605G>A (p.Ser535=)

Gene: RNF43 (ring finger protein 43; minus strand). Cytogenetic location: 17q22.
Variant type: single nucleotide variant.
Coding change: c.1605G>A on transcript NM_017763.6 (MANE Select); coding-DNA position 1605, G replaced by A.
Protein change: p.Ser535=; no amino-acid change (serine 535 retained).
Molecular consequence: synonymous variant.
Genome position (GRCh38, 1-based): chr17:58,358,171, C>T on the plus strand (G>A on the coding strand, the complement: RNF43 is on the minus strand). VCF-style: chr17-58358171-C-T. GRCh37 (hg19) VCF-style: chr17-56435532-C-T.
Other names: c.1605G>A (NM_017763.4); c.1605G>A, p.Ser535= (NM_001305544.3); c.1224G>A, p.Ser408= (NM_001305545.2).
Identifiers: ClinVar variation 1435409 (VCV001435409.12), dbSNP rs767179579, ClinGen allele CA8673149.

ClinVar aggregate classification (germline): Benign/Likely benign. Review status: criteria provided, multiple submitters, no conflicts (2 of 4 stars). 4 submissions from 4 submitters: Benign (1); Likely benign (3). Last evaluated 2026-07-02.

Conditions:
Sessile serrated polyposis cancer syndrome (SSPCS). Identifiers: Orphanet 157798, MedGen C4310714, MONDO:0014919, OMIM 617108.

Allele frequency attached by ClinVar (database versions not stated): gnomAD exomes 0.00002; gnomAD 0.00002 and 0.00003; ExAC 0.00002.

Submissions (4):

Myriad Genetics, Inc.
Classification: Benign for Sessile serrated polyposis cancer syndrome. Last evaluated: 2026-07-02. Review status: criteria provided, single submitter. Criteria: Myriad Autosomal Dominant, Autosomal Recessive and X-Linked Classification Criteria (2023). Collection method: clinical testing. Allele origin: unknown.
Comment: This variant is considered benign. This variant is a silent/synonymous amino acid change and it is not expected to impact splicing.

Center for Genomic Medicine, Rigshospitalet, Copenhagen University Hospital
Classification: Likely benign. Last evaluated: 2025-03-04. Review status: criteria provided, single submitter. Criteria: ACMG Guidelines, 2015. Collection method: clinical testing. Allele origin: germline.

Labcorp Genetics (formerly Invitae), Labcorp
Classification: Likely benign. Last evaluated: 2025-02-10. Review status: criteria provided, single submitter. Criteria: Invitae Variant Classification Sherloc (09022015). Collection method: clinical testing. Allele origin: germline.

Ambry Genetics
Classification: Likely benign. Last evaluated: 2024-12-10. Review status: criteria provided, single submitter. Criteria: Ambry Variant Classification Scheme 2023. Collection method: clinical testing. Allele origin: germline.